The following is an entry in ClinVar:

NM_019066.5(MAGEL2):c.3420G>C (p.Gly1140=)

Gene: MAGEL2 (MAGE family member L2; minus strand). Cytogenetic location: 15q11.2.
Variant type: single nucleotide variant.
Coding change: c.3420G>C on transcript NM_019066.5 (MANE Select); coding-DNA position 3420, G replaced by C.
Protein change: p.Gly1140=; no amino-acid change (glycine 1140 retained).
Molecular consequence: synonymous variant.
Genome position (GRCh38, 1-based): chr15:23,644,323, C>G on the plus strand (G>C on the coding strand, the complement: MAGEL2 is on the minus strand). VCF-style: chr15-23644323-C-G. GRCh37 (hg19) VCF-style: chr15-23889470-C-G.
Identifiers: ClinVar variation 4702697 (VCV004702697.1).

ClinVar aggregate classification (germline): Uncertain significance (1 of 4 stars; one submission).

Submission:

Labcorp Genetics (formerly Invitae), Labcorp
Classification: Uncertain significance. Last evaluated: 2025-10-23. Review status: criteria provided, single submitter. Criteria: Invitae Variant Classification Sherloc (09022015). Collection method: clinical testing. Allele origin: germline.
Comment: This sequence change affects codon 1140 of the MAGEL2 mRNA. It is a 'silent' change, meaning that it does not change the encoded amino acid sequence of the MAGEL2 protein. This variant is not present in population databases (gnomAD no frequency). This variant has not been reported in the literature in individuals affected with MAGEL2-related conditions. In summary, the available evidence is currently insufficient to determine the role of this variant in disease. Therefore, it has been classified as a Variant of Uncertain Significance.